The following is an entry in ClinVar:

ClinVar aggregate classification (germline): Conflicting classifications of pathogenicity. Review status: criteria provided, conflicting classifications (1 of 4 stars). 6 submissions from 6 submitters: Pathogenic (1); Likely pathogenic (1); Uncertain significance (3). 1 of the submissions does not count toward it. Last evaluated 2025-08-07.

Conditions:
Hyper-IgE recurrent infection syndrome 1, autosomal dominant. Also called: Job's Syndrome; JOB SYNDROME; HYPER-IgE SYNDROME 1, AUTOSOMAL DOMINANT, WITH RECURRENT INFECTIONS; STAT3 Hyper IgE Syndrome; Hyper-IgE recurrent infection syndrome 1. Identifiers: Orphanet 2314, MedGen C2936739, MONDO:0007818, OMIM 147060.
EBV-Positive Inflammatory Follicular Dendritic Cell Sarcoma. Identifiers: MedGen C5419896.
STAT3-related disorder. Also called: STAT3-related condition.
STAT3 gain of function. Identifiers: MedGen C4288261.

Submissions (6):

Institute of Human Genetics, University of Leipzig Medical Center
Classification: Likely pathogenic for Hyper-IgE recurrent infection syndrome 1, autosomal dominant. Last evaluated: 2025-08-07. Review status: criteria provided, single submitter. Criteria: ACMG Guidelines, 2015. Collection method: clinical testing. Allele origin: unknown. Inheritance: Autosomal dominant inheritance. Affected: yes.
Comment: Criteria applied: PM2,PM5,PS4_SUP,PP2,PP3

Labcorp Genetics (formerly Invitae), Labcorp
Classification: Uncertain significance for STAT3 gain of function; Hyper-IgE recurrent infection syndrome 1, autosomal dominant. Last evaluated: 2024-02-14. Review status: criteria provided, single submitter. Criteria: Invitae Variant Classification Sherloc (09022015). Collection method: clinical testing. Allele origin: germline.
Comment: This sequence change replaces glycine, which is neutral and non-polar, with arginine, which is basic and polar, at codon 618 of the STAT3 protein (p.Gly618Arg). This variant is not present in population databases (gnomAD no frequency). This missense change has been observed in individual(s) with STAT3-related conditions (PMID: 24797340, 33060403). ClinVar contains an entry for this variant (Variation ID: 1192236). Advanced modeling of protein sequence and biophysical properties (such as structural, functional, and spatial information, amino acid conservation, physicochemical variation, residue mobility, and thermodynamic stability) performed at Invitae indicates that this missense variant is expected to disrupt STAT3 protein function with a positive predictive value of 80%. Experimental studies have shown that this missense change affects STAT3 function (PMID: 25586472, 28356514, 34075200). In summary, the available evidence is currently insufficient to determine the role of this variant in disease. Therefore, it has been classified as a Variant of Uncertain Significance.

Centre of Medical Genetics, University Hospital Muenster
Classification: Uncertain significance. Last evaluated: 2021-12-21. Review status: criteria provided, single submitter. Criteria: ACMG Guidelines, 2015. Collection method: clinical testing. Allele origin: unknown. Affected: yes. Observed: 1 variant allele, 1 heterozygote.
Comment: ACMG categories: PM1,PM2,PP3

Blueprint Genetics
Classification: Pathogenic for STAT3-related disorders. Last evaluated: 2021-09-15. Review status: criteria provided, single submitter. Criteria: ACMG Guidelines, 2015. Collection method: clinical testing. Allele origin: germline. Affected: yes. Observed: 1 variant allele.

Women's Health and Genetics/Laboratory Corporation of America, LabCorp
Classification: Uncertain significance. Last evaluated: 2021-07-16. Review status: criteria provided, single submitter. Criteria: LabCorp Variant Classification Summary - May 2015. Collection method: clinical testing. Allele origin: germline.
Comment: Variant summary: STAT3 c.1852G>C (p.Gly618Arg) results in a non-conservative amino acid change located in the SH2 domain of the encoded protein sequence. Five of five in-silico tools predict a damaging effect of the variant on protein function. The variant was absent in 251424 control chromosomes. The available data on variant occurrences in the general population are insufficient to allow any conclusion about variant significance. To our knowledge, no occurrences of c.1852G>C have been reported in individuals affected with Hyper IgE Syndrome. However, somatic occurrences of this variant have been reported in individuals affected with various hematopoietic and lymphoid malignancies (Examples: 29386642, 22859607, 27203213, see COSMIC entry). The variant has been reported in a functional study to result in increased phosphorylated protein and a growth advantage to transduced cell lines or normal NK cells (Kucuk_2020). Two other variants affecting the same codon have been reported in HGMD in association with Hyper-IgE syndrome (p.Gly618Asp) and Immunodeficiency (p.Gly618Val). No clinical diagnostic laboratories have submitted clinical-significance assessments for this variant to ClinVar after 2014. Based on the evidence outlined above, the variant was classified as uncertain significance.

Clinical Genomics Labs, University Health Network
Classification: Pathogenic for EBV-Positive Inflammatory Follicular Dendritic Cell Sarcoma. Last evaluated: 2023-08-09. Review status: no assertion criteria provided. Collection method: research. Allele origin: somatic. Affected: yes. Not counted in ClinVar's aggregate classification.

Literature cited by the submitters: PubMed 24797340 (cited by Labcorp Genetics (formerly Invitae), Labcorp); PubMed 33060403 (cited by Labcorp Genetics (formerly Invitae), Labcorp); PubMed 25586472 (cited by Labcorp Genetics (formerly Invitae), Labcorp and Women's Health and Genetics/Laboratory Corporation of America, LabCorp); PubMed 28356514 (cited by Labcorp Genetics (formerly Invitae), Labcorp); PubMed 34075200 (cited by Labcorp Genetics (formerly Invitae), Labcorp).

NM_139276.3(STAT3):c.1852G>C (p.Gly618Arg)

Gene: STAT3 (signal transducer and activator of transcription 3; minus strand). Cytogenetic location: 17q21.2.
Variant type: single nucleotide variant.
Coding change: c.1852G>C on transcript NM_139276.3 (MANE Select); coding-DNA position 1852, G replaced by C.
Protein change: p.Gly618Arg; replaces glycine 618 with arginine.
Molecular consequence: missense variant.
Genome position (GRCh38, 1-based): chr17:42,323,040, C>G on the plus strand (G>C on the coding strand, the complement: STAT3 is on the minus strand). VCF-style: chr17-42323040-C-G. GRCh37 (hg19) VCF-style: chr17-40475058-C-G.
Other names: c.1852G>C, p.Gly618Arg (NM_001369512.1, NM_001369513.1, NM_001369514.1 and 9 more transcripts); c.1768G>C, p.Gly590Arg (NM_001384984.1); c.1774G>C, p.Gly592Arg (NM_001384985.1); c.1867G>C, p.Gly623Arg (NM_001384986.1, NM_001384990.1); c.1831G>C, p.Gly611Arg (NM_001384987.1); c.1756G>C, p.Gly586Arg (NM_001384989.1); c.1825G>C, p.Gly609Arg (NM_001384991.1); c.1792G>C, p.Gly598Arg (NM_001384992.1); short protein forms G586R, G590R, G592R, G598R, G609R, G611R, G618R, G623R.
Identifiers: ClinVar variation 1192236 (VCV001192236.9), dbSNP rs2081548277, ClinGen allele CA399582819.